The following is an entry in ClinVar:

ClinVar aggregate classification (germline): Benign/Likely benign. Review status: criteria provided, multiple submitters, no conflicts (2 of 4 stars). 2 submissions from 2 submitters: Benign (1); Likely benign (1). Last evaluated 2024-05-21.

Conditions:
Familial cancer of breast. Also called: BREAST CANCER, FAMILIAL; Hereditary breast cancer; hereditary breast carcinoma. Identifiers: Orphanet 227535, MedGen C0346153, MONDO:0016419, OMIM 114480. Disease mechanism: loss of function.
Ataxia-telangiectasia syndrome (AT). Also called: Ataxia-telangiectasia, complementation group E; Ataxia-telangiectasia, complementation group D; Ataxia telangiectasia (A-T); LOUIS-BAR SYNDROME; ATAXIA-TELANGIECTASIA, COMPLEMENTATION GROUP A; ATAXIA-TELANGIECTASIA, FRESNO VARIANT. Identifiers: Orphanet 100, MedGen C0004135, MONDO:0008840, OMIM 208900.

Allele frequency attached by ClinVar (database versions not stated): gnomAD exomes below 0.00001.
gnomAD v4.1: 3 of 1,613,904 alleles (0.00019%); highest among the groups gnomAD compares: Non-Finnish European, 0.00025%; no homozygotes.

Submissions (2):

Myriad Genetics, Inc.
Classification: Benign for Familial cancer of breast. Last evaluated: 2024-05-21. Review status: criteria provided, single submitter. Criteria: Myriad Autosomal Dominant, Autosomal Recessive and X-Linked Classification Criteria (2023). Collection method: clinical testing. Allele origin: unknown.
Comment: This variant is considered benign. This variant is a silent/synonymous amino acid change and it is not expected to impact splicing.

Labcorp Genetics (formerly Invitae), Labcorp
Classification: Likely benign for Ataxia-telangiectasia syndrome. Last evaluated: 2022-06-08. Review status: criteria provided, single submitter. Criteria: Invitae Variant Classification Sherloc (09022015). Collection method: clinical testing. Allele origin: germline.

NM_000051.4(ATM):c.4893T>A (p.Ile1631=)

Gene: ATM (ATM serine/threonine kinase; plus strand). Cytogenetic location: 11q22.3.
Variant type: single nucleotide variant.
Coding change: c.4893T>A on transcript NM_000051.4 (MANE Select); coding-DNA position 4893, T replaced by A.
Protein change: p.Ile1631=; no amino-acid change (isoleucine 1631 retained).
Molecular consequence: synonymous variant.
Genome position (GRCh38, 1-based): chr11:108,295,043, T>A. VCF-style: chr11-108295043-T-A. GRCh37 (hg19) VCF-style: chr11-108165770-T-A.
Other names: c.4893T>A, p.Ile1631= (NM_001351834.2).
Identifiers: ClinVar variation 796675 (VCV000796675.10), dbSNP rs1591685188, ClinGen allele CA476674558.
Genomic context (GRCh38, chr11:108,295,043, plus strand): 5'-TGAAGGACTAAAGGATCTTCGAAGACAACTGGAACTACATAAAGATCAGATGGTGGACAT[T>A]ATGAGAGCTTCTCAGGGTGCTAATTTTAAATGACATGGGCTATTTCTACCTGTTTCTTTT-3'
Protein context (NP_000042.3, residues 1621-1641): LELHKDQMVD[Ile1631=]MRASQDNPQD